The following is an entry in ClinVar:

NM_000264.5(PTCH1):c.2463C>A (p.Asp821Glu)

Genes: PTCH1 (patched 1; minus strand), LOC100507346 (uncharacterized LOC100507346; plus strand). Cytogenetic location: 9q22.32.
Variant type: single nucleotide variant.
Coding change: c.2463C>A on transcript NM_000264.5 (MANE Select); coding-DNA position 2463, C replaced by A.
Protein change: p.Asp821Glu; replaces aspartic acid 821 with glutamic acid.
Molecular consequence: missense variant. On other transcripts: non-coding transcript variant (2).
Genome position (GRCh38, 1-based): chr9:95,467,213, G>T on the plus strand (C>A on the coding strand, the complement: PTCH1 is on the minus strand). VCF-style: chr9-95467213-G-T. GRCh37 (hg19) VCF-style: chr9-98229495-G-T.
Other names: c.2265C>A, p.Asp755Glu (NM_001083602.3); c.2460C>A, p.Asp820Glu (NM_001083603.3); c.2010C>A, p.Asp670Glu (NM_001083604.3, NM_001083605.3, NM_001083606.3 and 1 more transcripts); c.2307C>A, p.Asp769Glu (NM_001354918.2); short protein forms D670E, D755E, D769E, D820E, D821E.
Identifiers: ClinVar variation 3230980 (VCV003230980.1), dbSNP rs2117956030, ClinGen allele CA374114071.
Genomic context (GRCh38, chr9:95,467,213, plus strand): 5'-GGGAAGCTGTTTGTTTTCTTCCAACATGACATACTTCACGTTACTGAAACTCCTGTGTAG[G>T]TCGTAAAGTAAGTGCTGGATATTCGGGTAGTCTGCTTTCTGGGTGACTATATACATGTTG-3'
Protein context (NP_000255.2, residues 811-831): DYPNIQHLLY[Asp821Glu]LHRSFSNVKY

ClinVar aggregate classification (germline): Uncertain significance (1 of 4 stars; one submission).

Conditions:
Hereditary cancer-predisposing syndrome. Also called: Neoplastic Syndromes, Hereditary; Tumor predisposition; Hereditary neoplastic syndrome; Hereditary Cancer Syndrome. Identifiers: Orphanet 140162, MedGen C0027672, MeSH D009386, MONDO:0015356.

Submission:

Ambry Genetics
Classification: Uncertain significance for Hereditary cancer-predisposing syndrome. Last evaluated: 2023-11-02. Review status: criteria provided, single submitter. Criteria: Ambry Variant Classification Scheme 2023. Collection method: clinical testing. Allele origin: germline.
Comment: The p.D821E variant (also known as c.2463C>A), located in coding exon 15 of the PTCH1 gene, results from a C to A substitution at nucleotide position 2463. The aspartic acid at codon 821 is replaced by glutamic acid, an amino acid with highly similar properties. This amino acid position is conserved. In addition, this alteration is predicted to be tolerated by in silico analysis. Since supporting evidence is limited at this time, the clinical significance of this alteration remains unclear.